The following is an entry in ClinVar:

ClinVar aggregate classification (germline): Benign/Likely benign. Review status: criteria provided, multiple submitters, no conflicts (2 of 4 stars). 7 submissions from 7 submitters: Benign (4); Likely benign (2). 1 of the submissions does not count toward it. Last evaluated 2026-02-02.

Conditions:
Donnai-Barrow syndrome. Also called: DBS/FOAR SYNDROME; FACIOOCULOACOUSTICORENAL SYNDROME. Identifiers: Orphanet 2143, MedGen C1857277, MONDO:0009104, OMIM 222448.

Allele frequency attached by ClinVar (database versions not stated): 1000 Genomes Project 30x 0.00593; 1000 Genomes Project 0.00619; ExAC 0.00806; gnomAD exomes 0.00897 and 0.01568; TOPMed 0.00947; gnomAD 0.00968 and 0.00999; ESP Exome Variant Server 0.01184.
gnomAD v4.1: 24,214 of 1,614,094 alleles (1.5%); highest among the groups gnomAD compares: Non-Finnish European, 1.9%; 254 homozygotes.

Submissions (7):

Labcorp Genetics (formerly Invitae), Labcorp
Classification: Benign. Last evaluated: 2026-02-02. Review status: criteria provided, single submitter. Criteria: Invitae Variant Classification Sherloc (09022015). Collection method: clinical testing. Allele origin: germline.

Mayo Clinic Laboratories, Mayo Clinic
Classification: Benign. Last evaluated: 2024-11-26. Review status: criteria provided, single submitter. Criteria: ACMG Guidelines, 2015. Collection method: clinical testing. Allele origin: germline. Observed: 4 variant alleles.
Comment: BA1, BS2

Genome-Nilou Lab
Classification: Benign for Donnai-Barrow syndrome. Last evaluated: 2021-08-19. Review status: criteria provided, single submitter. Criteria: ACMG Guidelines, 2015. Collection method: clinical testing. Allele origin: germline. Affected: no.

Illumina Laboratory Services, Illumina
Classification: Benign for Donnai-Barrow syndrome. Last evaluated: 2018-01-13. Review status: criteria provided, single submitter. Criteria: ICSL Variant Classification Criteria 13 December 2019. Collection method: clinical testing. Allele origin: germline.
Comment: This variant was observed in the ICSL laboratory as part of a predisposition screen in an ostensibly healthy population. It had not been previously curated by ICSL or reported in the Human Gene Mutation Database (HGMD: prior to June 1st, 2018), and was therefore a candidate for classification through an automated scoring system. Utilizing variant allele frequency, disease prevalence and penetrance estimates, and inheritance mode, an automated score was calculated to assess if this variant is too frequent to cause the disease. Based on the score and internal cut-off values, a variant classified as benign is not then subjected to further curation. The score for this variant resulted in a classification of benign for this disease.

Breakthrough Genomics
Classification: Likely benign. Review status: criteria provided, single submitter. Criteria: ACMG Guidelines, 2015. Collection method: not provided. Allele origin: germline. Inheritance: Autosomal recessive inheritance. Affected: yes.

PreventionGenetics, part of Exact Sciences
Classification: Likely benign. Review status: criteria provided, single submitter. Criteria: ACMG Guidelines, 2015. Collection method: clinical testing. Allele origin: germline.

Genetic Services Laboratory, University of Chicago
Classification: Likely benign for AllHighlyPenetrant. Review status: no assertion criteria provided. Collection method: clinical testing. Allele origin: germline. Inheritance: Autosomal recessive inheritance. Not counted in ClinVar's aggregate classification.
Comment: Likely benign based on allele frequency in 1000 Genomes Project or ESP global frequency and its presence in a patient with a rare or unrelated disease phenotype. NOT Sanger confirmed.

NM_004525.3(LRP2):c.5085G>A (p.Ser1695=)

Gene: LRP2 (LDL receptor related protein 2; minus strand). Cytogenetic location: 2q31.1.
Variant type: single nucleotide variant.
Coding change: c.5085G>A on transcript NM_004525.3 (MANE Select); coding-DNA position 5085, G replaced by A.
Protein change: p.Ser1695=; no amino-acid change (serine 1695 retained).
Molecular consequence: synonymous variant.
Genome position (GRCh38, 1-based): chr2:169,233,424, C>T on the plus strand (G>A on the coding strand, the complement: LRP2 is on the minus strand). VCF-style: chr2-169233424-C-T. GRCh37 (hg19) VCF-style: chr2-170089934-C-T.
Other names: p.Ser1695=.
Identifiers: ClinVar variation 129527 (VCV000129527.24), dbSNP rs145384264, ClinGen allele CA153591.